The following is an entry in ClinVar:

ClinVar aggregate classification (germline): Conflicting classifications of pathogenicity. Review status: criteria provided, conflicting classifications (1 of 4 stars). 3 submissions from 3 submitters: Uncertain significance (2); Benign (1). Last evaluated 2025-11-19.

Conditions:
Hereditary cancer-predisposing syndrome. Also called: Hereditary Cancer Syndrome; Hereditary neoplastic syndrome; Neoplastic Syndromes, Hereditary; Tumor predisposition. Identifiers: Orphanet 140162, MedGen C0027672, MeSH D009386, MONDO:0015356.
Ataxia-telangiectasia syndrome (AT). Also called: Ataxia-telangiectasia, complementation group E; LOUIS-BAR SYNDROME; Cerebello-oculocutaneous telangiectasia; Immunodeficiency with ataxia telangiectasia; Ataxia-telangiectasia, complementation group D; AT, COMPLEMENTATION GROUP C. Identifiers: Orphanet 100, MedGen C0004135, MONDO:0008840, OMIM 208900.

Allele frequency attached by ClinVar (database versions not stated): gnomAD exomes below 0.00001.
gnomAD v4.1: 1 of 1,613,594 alleles (0.000062%); highest among the groups gnomAD compares: Non-Finnish European, 0.000085%; no homozygotes.

Submissions (3):

Ambry Genetics
Classification: Benign for Hereditary cancer-predisposing syndrome. Last evaluated: 2025-11-19. Review status: criteria provided, single submitter. Criteria: Ambry Variant Classification Scheme 2023. Collection method: clinical testing. Allele origin: germline.

Labcorp Genetics (formerly Invitae), Labcorp
Classification: Uncertain significance for Ataxia-telangiectasia syndrome. Last evaluated: 2024-09-15. Review status: criteria provided, single submitter. Criteria: Invitae Variant Classification Sherloc (09022015). Collection method: clinical testing. Allele origin: germline.
Comment: This sequence change replaces alanine, which is neutral and non-polar, with threonine, which is neutral and polar, at codon 1762 of the ATM protein (p.Ala1762Thr). This variant is not present in population databases (gnomAD no frequency). This variant has not been reported in the literature in individuals affected with ATM-related conditions. ClinVar contains an entry for this variant (Variation ID: 924984). An algorithm developed to predict the effect of missense changes on protein structure and function outputs the following: PolyPhen-2: "Benign". The threonine amino acid residue is found in multiple mammalian species, which suggests that this missense change does not adversely affect protein function. In summary, the available evidence is currently insufficient to determine the role of this variant in disease. Therefore, it has been classified as a Variant of Uncertain Significance.

Color Diagnostics, LLC DBA Color Health
Classification: Uncertain significance for Hereditary cancer-predisposing syndrome. Last evaluated: 2019-06-05. Review status: criteria provided, single submitter. Criteria: ACMG Guidelines, 2015. Collection method: clinical testing. Allele origin: germline.

NM_000051.4(ATM):c.5284G>A (p.Ala1762Thr)

Gene: ATM (ATM serine/threonine kinase; plus strand). Cytogenetic location: 11q22.3.
Variant type: single nucleotide variant.
Coding change: c.5284G>A on transcript NM_000051.4 (MANE Select); coding-DNA position 5284, G replaced by A.
Protein change: p.Ala1762Thr; replaces alanine 1762 with threonine.
Molecular consequence: missense variant.
Genome position (GRCh38, 1-based): chr11:108,301,754, G>A. VCF-style: chr11-108301754-G-A. GRCh37 (hg19) VCF-style: chr11-108172481-G-A.
Other names: c.5284G>A, p.Ala1762Thr (NM_001351834.2); short protein forms A1762T.
Identifiers: ClinVar variation 924984 (VCV000924984.5), dbSNP rs2083444037, ClinGen allele CA382542646.